The following is an entry in ClinVar:

ClinVar aggregate classification (germline): Conflicting classifications of pathogenicity. Review status: criteria provided, conflicting classifications (1 of 4 stars). 4 submissions from 4 submitters: Uncertain significance (1); Likely benign (3). Last evaluated 2025-07-10.

Conditions:
Familial thoracic aortic aneurysm and aortic dissection (TAAD). Also called: Thoracic aortic aneurysms and dissections. Identifiers: Orphanet 91387, MedGen C4707243, MONDO:0019625.
Marfan syndrome (MFS). Also called: FBN1-Related Marfan Syndrome; Marfan syndrome type 1; Marfan's syndrome; Marfan syndrome, classic; MARFAN SYNDROME, TYPE I. Identifiers: Orphanet 284963, Orphanet 558, MedGen C0024796, MONDO:0007947, OMIM 154700.

Allele frequency attached by ClinVar (database versions not stated): gnomAD exomes 0.00002 and below 0.00001; gnomAD 0.00003.
gnomAD v4.1: 22 of 1,614,182 alleles (0.0014%); highest among the groups gnomAD compares: Non-Finnish European, 0.0019%; no homozygotes.

Submissions (4):

Ambry Genetics
Classification: Uncertain significance for Familial thoracic aortic aneurysm and aortic dissection. Last evaluated: 2025-07-10. Review status: criteria provided, single submitter. Criteria: Ambry Variant Classification Scheme 2023. Collection method: clinical testing. Allele origin: germline.
Comment: The c.2142G>A variant (also known as p.G714G), located in coding exon 17 of the FBN1 gene, results from a G to A substitution at nucleotide position 2142. This nucleotide substitution does not change the amino acid at codon 714. This variant was reported in individual(s) with aortic dissection (Ambry internal data). This nucleotide position is not well conserved in available vertebrate species. In silico splice site analysis for this alteration is inconclusive. Based on the available evidence, the clinical significance of this variant remains unclear.

Labcorp Genetics (formerly Invitae), Labcorp
Classification: Likely benign for Marfan syndrome; Familial thoracic aortic aneurysm and aortic dissection. Last evaluated: 2025-01-30. Review status: criteria provided, single submitter. Criteria: Invitae Variant Classification Sherloc (09022015). Collection method: clinical testing. Allele origin: germline.

All of Us Research Program, National Institutes of Health
Classification: Likely benign for Marfan syndrome. Last evaluated: 2023-10-27. Review status: criteria provided, single submitter. Criteria: ACMG Guidelines, 2015. Collection method: clinical testing. Allele origin: germline. Inheritance: Autosomal dominant inheritance. Observed: 3 variant alleles, 3 heterozygotes.
Comment: This study involves interpretation of variants in research participants for the purpose of population health screening. Participant phenotype was not available at the time of variant classification. Additional details can be found in publication PMID: 35346344, PMCID: PMC8962531

Color Diagnostics, LLC DBA Color Health
Classification: Likely benign for Familial thoracic aortic aneurysm and aortic dissection. Last evaluated: 2018-10-08. Review status: criteria provided, single submitter. Criteria: ACMG Guidelines, 2015. Collection method: clinical testing. Allele origin: germline.

NM_000138.5(FBN1):c.2142G>A (p.Gly714=)

Gene: FBN1 (fibrillin 1; minus strand). Cytogenetic location: 15q21.1.
Variant type: single nucleotide variant.
Coding change: c.2142G>A on transcript NM_000138.5 (MANE Select); coding-DNA position 2142, G replaced by A.
Protein change: p.Gly714=; no amino-acid change (glycine 714 retained).
Molecular consequence: synonymous variant.
Genome position (GRCh38, 1-based): chr15:48,499,010, C>T on the plus strand (G>A on the coding strand, the complement: FBN1 is on the minus strand). VCF-style: chr15-48499010-C-T. GRCh37 (hg19) VCF-style: chr15-48791207-C-T.
Identifiers: ClinVar variation 629505 (VCV000629505.14), dbSNP rs1423523072, ClinGen allele CA490023879.